The following is an entry in ClinVar:

NM_001195129.2(PRSS56):c.849+1G>C

Gene: PRSS56 (serine protease 56; plus strand). Cytogenetic location: 2q37.1.
Variant type: single nucleotide variant.
Coding change: c.849+1G>C on transcript NM_001195129.2 (MANE Select); the canonical splice donor site of the intron after coding-DNA position 849, G replaced by C.
Molecular consequence: splice donor variant.
Genome position (GRCh38, 1-based): chr2:232,523,203, G>C. VCF-style: chr2-232523203-G-C. GRCh37 (hg19) VCF-style: chr2-233387913-G-C.
Other names: c.849+1G>C (NM_001369848.1).
Identifiers: ClinVar variation 3641485 (VCV003641485.2).
Genomic context (GRCh38, chr2:232,523,203, plus strand): 5'-CTGCGCCCCAGCACCATGCTCTGCGCCGGGTACCTGGCGGGGGGCGTTGACTCGTGCCAG[G>C]TATGAACCCAGTCTGATGAGAAAAGGCCGGCTGAGCCTTCCCAGGGCCACTACGGCCTCT-3'

ClinVar aggregate classification (germline): Pathogenic (1 of 4 stars; one submission).

Conditions:
Isolated microphthalmia 6. Also called: MICROPHTHALMIA, POSTERIOR NONSYNDROMIC. Identifiers: Orphanet 2542, MedGen C3150757, MONDO:0013293, OMIM 613517.

Submission:

Labcorp Genetics (formerly Invitae), Labcorp
Classification: Pathogenic for Isolated microphthalmia 6. Last evaluated: 2024-02-29. Review status: criteria provided, single submitter. Criteria: Invitae Variant Classification Sherloc (09022015). Collection method: clinical testing. Allele origin: germline.
Comment: This sequence change affects a donor splice site in intron 7 of the PRSS56 gene. It is expected to disrupt RNA splicing. Variants that disrupt the donor or acceptor splice site typically lead to a loss of protein function (PMID: 16199547), and loss-of-function variants in PRSS56 are known to be pathogenic (PMID: 31266062, 31992737). This variant is not present in population databases (gnomAD no frequency). Disruption of this splice site has been observed in individual(s) with PRSS56-related condition (PMID: 32052405, 33203948). In at least one individual the data is consistent with being in trans (on the opposite chromosome) from a pathogenic variant. It has also been observed to segregate with disease in related individuals. Algorithms developed to predict the effect of sequence changes on RNA splicing suggest that this variant may disrupt the consensus splice site. For these reasons, this variant has been classified as Pathogenic.

Literature cited by the submitters: PubMed 16199547; PubMed 31266062; PubMed 31992737; PubMed 32052405; PubMed 33203948.